The following is an entry in ClinVar:

NM_001243133.2(NLRP3):c.673G>T (p.Ala225Ser)

Gene: NLRP3 (NLR family pyrin domain containing 3; plus strand). Cytogenetic location: 1q44.
Variant type: single nucleotide variant.
Coding change: c.673G>T on transcript NM_001243133.2 (MANE Select); coding-DNA position 673, G replaced by T.
Protein change: p.Ala225Ser; replaces alanine 225 with serine.
Molecular consequence: missense variant.
Genome position (GRCh38, 1-based): chr1:247,424,122, G>T. VCF-style: chr1-247424122-G-T. GRCh37 (hg19) VCF-style: chr1-247587424-G-T.
Other names: c.679G>T (NM_004895.4); c.673G>T, p.Ala225Ser (NM_001079821.3, NM_001127461.3, NM_001127462.3 and 1 more transcripts); c.679G>T, p.Ala227Ser (NM_004895.5); short protein forms A225S, A227S.
Identifiers: ClinVar variation 1515565 (VCV001515565.10), dbSNP rs1193199652, ClinGen allele CA345555174.
Genomic context (GRCh38, chr1:247,424,122, plus strand): 5'-TTGCTGTTTGACCCCGATGATGAGCATTCTGAGCCTGTGCACACCGTGGTGTTCCAGGGG[G>T]CGGCAGGGATTGGGAAAACAATCCTGGCCAGGAAGATGATGTTGGACTGGGCGTCGGGGA-3'
Protein context (NP_001230062.1, residues 215-235): EPVHTVVFQG[Ala225Ser]AGIGKTILAR

ClinVar aggregate classification (germline): Uncertain significance. Review status: criteria provided, multiple submitters, no conflicts (2 of 4 stars). 3 submissions from 3 submitters: Uncertain significance (3). Last evaluated 2024-06-28.

Conditions:
Inborn genetic diseases. Identifiers: MedGen C0950123, MeSH D030342.
Hearing loss, autosomal dominant 34, with or without inflammation. Also called: DEAFNESS, AUTOSOMAL DOMINANT 34, WITH OR WITHOUT INFLAMMATION. Identifiers: MedGen C4521680, MONDO:0033261, OMIM 617772.
Familial amyloid nephropathy with urticaria AND deafness (MWS). Also called: MUCKLE-WELLS SYNDROME; Urticaria, deafness and amyloidosis; UDA SYNDROME; URTICARIA-DEAFNESS-AMYLOIDOSIS SYNDROME; CRYOPYRIN-ASSOCIATED PERIODIC SYNDROME 2. Identifiers: Orphanet 575, MedGen C0268390, MONDO:0008633, OMIM 191900.
Familial cold autoinflammatory syndrome 1 (FCAS1). Also called: CRYOPYRIN-ASSOCIATED PERIODIC SYNDROME 1; Familial cold inflammatory syndrome 1. Identifiers: Orphanet 47045, MedGen C4551895, MONDO:0007349, OMIM 120100.
Keratitis fugax hereditaria. Also called: KERATOENDOTHELIITIS FUGAX HEREDITARIA. Identifiers: Orphanet 647815, MedGen C1835697, MONDO:0007849, OMIM 148200.
Chronic infantile neurological, cutaneous and articular syndrome (CINCA). Also called: CHRONIC NEUROLOGIC CUTANEOUS AND ARTICULAR SYNDROME; Prieur Griscelli syndrome; CINCA syndrome; CRYOPYRIN-ASSOCIATED PERIODIC SYNDROME 3. Identifiers: Orphanet 1451, MedGen C0409818, MONDO:0011776, OMIM 607115.
Cryopyrin associated periodic syndrome (CAPS). Identifiers: Orphanet 208650, MedGen C2316212, MONDO:0016168.

Allele frequency attached by ClinVar (database versions not stated): gnomAD 0.00001.
gnomAD v4.1: 15 of 1,614,014 alleles (0.00093%); highest among the groups gnomAD compares: Non-Finnish European, 0.0013%; no homozygotes.

Submissions (3):

Ambry Genetics
Classification: Uncertain significance for Inborn genetic diseases. Last evaluated: 2024-06-28. Review status: criteria provided, single submitter. Criteria: Ambry Variant Classification Scheme 2023. Collection method: clinical testing. Allele origin: germline.

Fulgent Genetics
Classification: Uncertain significance for Familial cold autoinflammatory syndrome 1; Keratitis fugax hereditaria; Familial amyloid nephropathy with urticaria AND deafness; Chronic infantile neurological, cutaneous and articular syndrome; Hearing loss, autosomal dominant 34, with or without inflammation. Last evaluated: 2024-03-07. Review status: criteria provided, single submitter. Criteria: ACMG Guidelines, 2015. Collection method: clinical testing. Allele origin: germline.

Labcorp Genetics (formerly Invitae), Labcorp
Classification: Uncertain significance for Cryopyrin associated periodic syndrome. Last evaluated: 2023-10-13. Review status: criteria provided, single submitter. Criteria: Invitae Variant Classification Sherloc (09022015). Collection method: clinical testing. Allele origin: germline.
Comment: This sequence change replaces alanine, which is neutral and non-polar, with serine, which is neutral and polar, at codon 227 of the NLRP3 protein (p.Ala227Ser). This variant is present in population databases (no rsID available, gnomAD 0.0009%). This variant has not been reported in the literature in individuals affected with NLRP3-related conditions. ClinVar contains an entry for this variant (Variation ID: 1515565). Algorithms developed to predict the effect of missense changes on protein structure and function output the following: SIFT: "Not Available"; PolyPhen-2: "Benign"; Align-GVGD: "Not Available". The serine amino acid residue is found in multiple mammalian species, which suggests that this missense change does not adversely affect protein function. In summary, the available evidence is currently insufficient to determine the role of this variant in disease. Therefore, it has been classified as a Variant of Uncertain Significance.